The following is an entry in ClinVar:

NM_001145358.2(SIN3A):c.3047T>C (p.Ile1016Thr)

Gene: SIN3A (SIN3 transcription regulator family member A; minus strand). Cytogenetic location: 15q24.2.
Variant type: single nucleotide variant.
Coding change: c.3047T>C on transcript NM_001145358.2 (MANE Select); coding-DNA position 3047, T replaced by C.
Protein change: p.Ile1016Thr; replaces isoleucine 1016 with threonine.
Molecular consequence: missense variant.
Genome position (GRCh38, 1-based): chr15:75,384,412, A>G on the plus strand (T>C on the coding strand, the complement: SIN3A is on the minus strand). VCF-style: chr15-75384412-A-G. GRCh37 (hg19) VCF-style: chr15-75676753-A-G.
Other names: c.3047T>C, p.Ile1016Thr (NM_001145357.2, NM_015477.3); c.3047T>C (NM_001145358.1); short protein forms I1016T.
Identifiers: ClinVar variation 3713779 (VCV003713779.3).

ClinVar aggregate classification (germline): Uncertain significance. Review status: criteria provided, multiple submitters, no conflicts (2 of 4 stars). 2 submissions from 2 submitters: Uncertain significance (2). Last evaluated 2026-01-09.

Conditions:
Inborn genetic diseases. Identifiers: MedGen C0950123, MeSH D030342.

Submissions (2):

Labcorp Genetics (formerly Invitae), Labcorp
Classification: Uncertain significance. Last evaluated: 2026-01-09. Review status: criteria provided, single submitter. Criteria: Invitae Variant Classification Sherloc (09022015). Collection method: clinical testing. Allele origin: germline.
Comment: This sequence change replaces isoleucine, which is neutral and non-polar, with threonine, which is neutral and polar, at codon 1016 of the SIN3A protein (p.Ile1016Thr). This variant is present in population databases (no rsID available, gnomAD 0.007%). This variant has not been reported in the literature in individuals affected with SIN3A-related conditions. ClinVar contains an entry for this variant (Variation ID: 3713779). Invitae Evidence Modeling of protein sequence and biophysical properties (such as structural, functional, and spatial information, amino acid conservation, physicochemical variation, residue mobility, and thermodynamic stability) indicates that this missense variant is not expected to disrupt SIN3A protein function with a negative predictive value of 80%. In summary, the available evidence is currently insufficient to determine the role of this variant in disease. Therefore, it has been classified as a Variant of Uncertain Significance.

Ambry Genetics
Classification: Uncertain significance for Inborn genetic diseases. Last evaluated: 2025-09-25. Review status: criteria provided, single submitter. Criteria: Ambry Variant Classification Scheme 2023. Collection method: clinical testing. Allele origin: germline.